The following is an entry in ClinVar:

NM_002880.4(RAF1):c.727T>C (p.Ser243Pro)

Gene: RAF1 (Raf-1 proto-oncogene, serine/threonine kinase; minus strand). Cytogenetic location: 3p25.2.
Variant type: single nucleotide variant.
Coding change: c.727T>C on transcript NM_002880.4 (MANE Select); coding-DNA position 727, T replaced by C.
Protein change: p.Ser243Pro; replaces serine 243 with proline.
Molecular consequence: missense variant. On other transcripts: non-coding transcript variant (3).
Genome position (GRCh38, 1-based): chr3:12,604,243, A>G on the plus strand (T>C on the coding strand, the complement: RAF1 is on the minus strand). VCF-style: chr3-12604243-A-G. GRCh37 (hg19) VCF-style: chr3-12645742-A-G.
Other names: c.727T>C, p.Ser243Pro (NM_001354689.3, NM_001354690.3); c.484T>C, p.Ser162Pro (NM_001354691.3, NM_001354692.3, NM_001354694.3); c.628T>C, p.Ser210Pro (NM_001354693.3); c.385T>C, p.Ser129Pro (NM_001354695.3); short protein forms S162P, S243P, S210P, S129P.
Identifiers: ClinVar variation 2838936 (VCV002838936.3), dbSNP rs2125398286, ClinGen allele CA351512896.

ClinVar aggregate classification (germline): Uncertain significance (1 of 4 stars; one submission).

Conditions:
RASopathy. Also called: rasopathies; Noonan spectrum disorder. Identifiers: Orphanet 536391, MedGen C5555857, MONDO:0021060.

Submission:

Labcorp Genetics (formerly Invitae), Labcorp
Classification: Uncertain significance for RASopathy. Last evaluated: 2023-02-18. Review status: criteria provided, single submitter. Criteria: Invitae Variant Classification Sherloc (09022015). Collection method: clinical testing. Allele origin: germline.
Comment: This sequence change replaces serine, which is neutral and polar, with proline, which is neutral and non-polar, at codon 243 of the RAF1 protein (p.Ser243Pro). In summary, the available evidence is currently insufficient to determine the role of this variant in disease. Therefore, it has been classified as a Variant of Uncertain Significance. Advanced modeling of protein sequence and biophysical properties (such as structural, functional, and spatial information, amino acid conservation, physicochemical variation, residue mobility, and thermodynamic stability) performed at Invitae indicates that this missense variant is not expected to disrupt RAF1 protein function. This variant has not been reported in the literature in individuals affected with RAF1-related conditions. This variant is not present in population databases (gnomAD no frequency).